The following is an entry in ClinVar:

ClinVar aggregate classification (germline): Likely benign. Review status: criteria provided, multiple submitters, no conflicts (2 of 4 stars). 2 submissions from 2 submitters: Likely benign (2). Last evaluated 2025-08-15.

Allele frequency attached by ClinVar (database versions not stated): gnomAD 0.00002; gnomAD exomes 0.00002; ExAC 0.00003; TOPMed 0.00003; ESP Exome Variant Server 0.00008.
gnomAD v4.1: 33 of 1,614,082 alleles (0.002%); highest among the groups gnomAD compares: Non-Finnish European, 0.0025%; no homozygotes.

Submissions (2):

Labcorp Genetics (formerly Invitae), Labcorp
Classification: Likely benign. Last evaluated: 2025-08-15. Review status: criteria provided, single submitter. Criteria: Invitae Variant Classification Sherloc (09022015). Collection method: clinical testing. Allele origin: germline.

CeGaT Center for Human Genetics Tuebingen
Classification: Likely benign. Last evaluated: 2024-03-01. Review status: criteria provided, single submitter. Criteria: CeGaT Center For Human Genetics Tuebingen Variant Classification Criteria Version 2. Collection method: clinical testing. Allele origin: germline. Affected: yes. Observed: 1 variant allele.
Comment: TCF20: BP1, BP4

NM_001378418.1(TCF20):c.3151C>T (p.Pro1051Ser)

Gene: TCF20 (transcription factor 20; minus strand). Cytogenetic location: 22q13.2.
Variant type: single nucleotide variant.
Coding change: c.3151C>T on transcript NM_001378418.1 (MANE Select); coding-DNA position 3151, C replaced by T.
Protein change: p.Pro1051Ser; replaces proline 1051 with serine.
Molecular consequence: missense variant.
Genome position (GRCh38, 1-based): chr22:42,212,155, G>A on the plus strand (C>T on the coding strand, the complement: TCF20 is on the minus strand). VCF-style: chr22-42212155-G-A. GRCh37 (hg19) VCF-style: chr22-42608161-G-A.
Other names: c.3151C>T, p.Pro1051Ser (NM_005650.4, NM_181492.3); short protein forms P1051S.
Identifiers: ClinVar variation 3067384 (VCV003067384.23), dbSNP rs371576823, ClinGen allele CA10266889.
Genomic context (GRCh38, chr22:42,212,155, plus strand): 5'-CATGAGCCCGAGTATTTGCATGATAAGCAGAGGCCAGGGTTTCTGAGTTGGGAGAAAAGG[G>A]AGTGTGTAAAGAACTCCGGTTAGCCCTCTCTGAAAAGGTCATGTGTGGATTCATGTGATG-3'
Protein context (NP_001365347.1, residues 1041-1061): ERANRSSLHT[Pro1051Ser]FSPNSETLAS